The following is an entry in ClinVar:

NM_004006.3(DMD):c.881C>A (p.Pro294His)

Gene: DMD (dystrophin; minus strand). Cytogenetic location: Xp21.1.
Variant type: single nucleotide variant.
Coding change: c.881C>A on transcript NM_004006.3 (MANE Select); coding-DNA position 881, C replaced by A.
Protein change: p.Pro294His; replaces proline 294 with histidine.
Molecular consequence: missense variant.
Genome position (GRCh38, 1-based): chrX:32,697,949, G>T on the plus strand (C>A on the coding strand, the complement: DMD is on the minus strand). VCF-style: chrX-32697949-G-T. GRCh37 (hg19) VCF-style: chrX-32716066-G-T.
Other names: p.Pro294His; c.857C>A, p.Pro286His (NM_000109.4); c.869C>A, p.Pro290His (NM_004009.3); c.512C>A, p.Pro171His (NM_004010.3); short protein forms P171H, P286H, P290H, P294H.
Identifiers: ClinVar variation 3380738 (VCV003380738.1).

ClinVar aggregate classification (germline): Uncertain significance (1 of 4 stars; one submission).

gnomAD v4.1: 1 of 1,205,719 alleles (0.000083%); highest among the groups gnomAD compares: Middle Eastern, 0.023%; no homozygotes.

Submission:

Mayo Clinic Laboratories, Mayo Clinic
Classification: Uncertain significance. Last evaluated: 2024-09-17. Review status: criteria provided, single submitter. Criteria: ACMG Guidelines, 2015. Collection method: clinical testing. Allele origin: germline. Observed: 1 variant allele.
Comment: PM2